The following is an entry in ClinVar:

ClinVar aggregate classification (germline): Uncertain significance. Review status: criteria provided, multiple submitters, no conflicts (2 of 4 stars). 2 submissions from 2 submitters: Uncertain significance (2). Last evaluated 2025-07-16.

Conditions:
Colorectal cancer, hereditary nonpolyposis, type 7. Identifiers: Orphanet 144, MedGen C1858380, MONDO:0013725, OMIM 614385.

gnomAD v4.1: 2 of 1,614,118 alleles (0.00012%); highest among the groups gnomAD compares: East Asian, 0.0045%; no homozygotes.

Submissions (2):

Labcorp Genetics (formerly Invitae), Labcorp
Classification: Uncertain significance for Colorectal cancer, hereditary nonpolyposis, type 7. Last evaluated: 2025-07-16. Review status: criteria provided, single submitter. Criteria: Invitae Variant Classification Sherloc (09022015). Collection method: clinical testing. Allele origin: germline.
Comment: This sequence change replaces glycine, which is neutral and non-polar, with cysteine, which is neutral and slightly polar, at codon 882 of the MLH3 protein (p.Gly882Cys). This variant is present in population databases (rs372175165, gnomAD 0.006%). This variant has not been reported in the literature in individuals affected with MLH3-related conditions. ClinVar contains an entry for this variant (Variation ID: 1794232). An algorithm developed to predict the effect of missense changes on protein structure and function (PolyPhen-2) suggests that this variant is likely to be disruptive. In summary, the available evidence is currently insufficient to determine the role of this variant in disease. Therefore, it has been classified as a Variant of Uncertain Significance.

Ambry Genetics
Classification: Uncertain significance. Last evaluated: 2024-02-17. Review status: criteria provided, single submitter. Criteria: Ambry Variant Classification Scheme 2023. Collection method: clinical testing. Allele origin: germline.
Comment: The p.G882C variant (also known as c.2644G>T), located in coding exon 1 of the MLH3 gene, results from a G to T substitution at nucleotide position 2644. The glycine at codon 882 is replaced by cysteine, an amino acid with highly dissimilar properties. This amino acid position is conserved. In addition, this alteration is predicted to be tolerated by in silico analysis. Since supporting evidence is limited at this time, the clinical significance of this alteration remains unclear.

NM_001040108.2(MLH3):c.2644G>T (p.Gly882Cys)

Gene: MLH3 (mutL homolog 3; minus strand). Cytogenetic location: 14q24.3.
Variant type: single nucleotide variant.
Coding change: c.2644G>T on transcript NM_001040108.2 (MANE Select); coding-DNA position 2644, G replaced by T.
Protein change: p.Gly882Cys; replaces glycine 882 with cysteine.
Molecular consequence: missense variant.
Genome position (GRCh38, 1-based): chr14:75,047,012, C>A on the plus strand (G>T on the coding strand, the complement: MLH3 is on the minus strand). VCF-style: chr14-75047012-C-A. GRCh37 (hg19) VCF-style: chr14-75513715-C-A.
Other names: c.2644G>T, p.Gly882Cys (NM_014381.3); short protein forms G882C.
Identifiers: ClinVar variation 1794232 (VCV001794232.4), dbSNP rs372175165, ClinGen allele CA7275665.